The following is an entry in ClinVar:

ClinVar aggregate classification (germline): Uncertain significance (1 of 4 stars; one submission).

Submission:

GeneDx
Classification: Uncertain significance. Last evaluated: 2019-06-06. Review status: criteria provided, single submitter. Criteria: GeneDx Variant Classification Process June 2021. Collection method: clinical testing. Allele origin: germline. Affected: yes.
Comment: Not observed in large population cohorts (Lek et al., 2016); In silico analysis, which includes protein predictors and evolutionary conservation, supports a deleterious effect; Has not been previously published as pathogenic or benign to our knowledge

NM_001320.7(CSNK2B):c.557G>T (p.Arg186Met)

Gene: CSNK2B (casein kinase 2 beta; plus strand). Cytogenetic location: 6p21.33.
Variant type: single nucleotide variant.
Coding change: c.557G>T on transcript NM_001320.7 (MANE Select); coding-DNA position 557, G replaced by T.
Protein change: p.Arg186Met; replaces arginine 186 with methionine.
Molecular consequence: missense variant.
Genome position (GRCh38, 1-based): chr6:31,669,508, G>T. VCF-style: chr6-31669508-G-T. GRCh37 (hg19) VCF-style: chr6-31637285-G-T.
Other names: c.548G>T, p.Arg183Met (NM_001282385.2); short protein forms R183M, R186M.
Identifiers: ClinVar variation 1305956 (VCV001305956.2), dbSNP rs2151189059, ClinGen allele CA363478119.